The following is an entry in ClinVar:

ClinVar aggregate classification (germline): Uncertain significance. Review status: criteria provided, multiple submitters, no conflicts (2 of 4 stars). 3 submissions from 3 submitters: Uncertain significance (3). Last evaluated 2024-03-06.

Conditions:
Cardiomyopathy (CMYO). Also called: Cardiomyopathies. Identifiers: Orphanet 167848, MedGen C0878544, MONDO:0004994, HP:0001638. Inheritance: Various modes of inheritance.
Catecholaminergic polymorphic ventricular tachycardia 1. Also called: RYR2-Related Catecholaminergic Polymorphic Ventricular Tachycardia; VENTRICULAR TACHYCARDIA, CATECHOLAMINERGIC POLYMORPHIC, 1, WITH OR WITHOUT ATRIAL DYSFUNCTION AND/OR DILATED CARDIOMYOPATHY; VENTRICULAR TACHYCARDIA, STRESS-INDUCED POLYMORPHIC 1. Identifiers: Orphanet 3286, MedGen C1631597, MONDO:0011484, OMIM 604772.

Allele frequency attached by ClinVar (database versions not stated): gnomAD exomes below 0.00001; gnomAD 0.00001; ExAC 0.00002.
gnomAD v4.1: 4 of 1,613,246 alleles (0.00025%); highest among the groups gnomAD compares: Non-Finnish European, 0.00034%; no homozygotes.

Submissions (3):

Color Diagnostics, LLC DBA Color Health
Classification: Uncertain significance for Cardiomyopathy. Last evaluated: 2024-03-06. Review status: criteria provided, single submitter. Criteria: ACMG Guidelines, 2015. Collection method: clinical testing. Allele origin: germline.
Comment: This missense variant replaces threonine with methionine at codon 4027 of the RYR2 protein. Computational prediction is inconclusive regarding the impact of this variant on protein structure and function (internally defined REVEL score threshold 0.5 < inconclusive < 0.7, PMID: 27666373). To our knowledge, functional studies have not been reported for this variant. This variant has not been reported in individuals affected with cardiovascular disorders in the literature. This variant has not been identified in the general population by the Genome Aggregation Database (gnomAD). The available evidence is insufficient to determine the role of this variant in disease conclusively. Therefore, this variant is classified as a Variant of Uncertain Significance.

Women's Health and Genetics/Laboratory Corporation of America, LabCorp
Classification: Uncertain significance. Last evaluated: 2024-01-04. Review status: criteria provided, single submitter. Criteria: LabCorp Variant Classification Summary - May 2015. Collection method: clinical testing. Allele origin: germline.
Comment: Variant summary: RYR2 c.12080C>T (p.Thr4027Met) results in a non-conservative amino acid change located in the EF-hand domain (IPR002048) of the encoded protein sequence. Five of five in-silico tools predict a damaging effect of the variant on protein function. The frequency data for this variant in gnomAD is considered unreliable, as metrics indicate poor data quality at this position. To our knowledge, no occurrence of c.12080C>T in individuals affected with Catecholaminergic Polymorphic Ventricular Tachycardia and no experimental evidence demonstrating its impact on protein function have been reported. One submitter has cited a clinical-significance assessment for this variant to ClinVar after 2014 and has classified the variant as uncertain significance. Based on the evidence outlined above, the variant was classified as uncertain significance.

Labcorp Genetics (formerly Invitae), Labcorp
Classification: Uncertain significance for Catecholaminergic polymorphic ventricular tachycardia 1. Last evaluated: 2022-06-22. Review status: criteria provided, single submitter. Criteria: Invitae Variant Classification Sherloc (09022015). Collection method: clinical testing. Allele origin: germline.
Comment: This variant is not present in population databases (gnomAD no frequency). This sequence change replaces threonine, which is neutral and polar, with methionine, which is neutral and non-polar, at codon 4027 of the RYR2 protein (p.Thr4027Met). This variant has not been reported in the literature in individuals affected with RYR2-related conditions. Algorithms developed to predict the effect of missense changes on protein structure and function (SIFT, PolyPhen-2, Align-GVGD) all suggest that this variant is likely to be disruptive. In summary, the available evidence is currently insufficient to determine the role of this variant in disease. Therefore, it has been classified as a Variant of Uncertain Significance.

NM_001035.3(RYR2):c.12080C>T (p.Thr4027Met)

Gene: RYR2 (ryanodine receptor 2; plus strand). Cytogenetic location: 1q43.
Variant type: single nucleotide variant.
Coding change: c.12080C>T on transcript NM_001035.3 (MANE Select); coding-DNA position 12080, C replaced by T.
Protein change: p.Thr4027Met; replaces threonine 4027 with methionine.
Molecular consequence: missense variant.
Genome position (GRCh38, 1-based): chr1:237,783,792, C>T. VCF-style: chr1-237783792-C-T. GRCh37 (hg19) VCF-style: chr1-237947092-C-T.
Other names: short protein forms T4027M.
Identifiers: ClinVar variation 1928259 (VCV001928259.8), dbSNP rs777438565, ClinGen allele CA085121.